The following is an entry in ClinVar:

ClinVar aggregate classification (germline): Pathogenic/Likely pathogenic. Review status: criteria provided, multiple submitters, no conflicts (2 of 4 stars). 2 submissions from 2 submitters: Pathogenic (1); Likely pathogenic (1). Last evaluated 2026-05-11.

Conditions:
Nephrolithiasis/nephrocalcinosis. Identifiers: MedGen CN580796.
CASR-related disorder. Also called: CASR-related condition.

Submissions (2):

PreventionGenetics, part of Exact Sciences
Classification: Likely pathogenic for CASR-related condition. Last evaluated: 2026-05-11. Review status: criteria provided, single submitter. Criteria: ACMG Guidelines, 2015. Collection method: clinical testing. Allele origin: germline.
Comment: The CASR c.2516A>G variant is predicted to result in the amino acid substitution p.Tyr839Cys. This variant was reported in an individual with hypocalcemia and type V Bartter syndrome (Reported as c.2486A>G, p.Tyr829Cys in Choi et al 2015. PubMed ID: 25932037). To our knowledge, this variant has not been reported in a large population database (gnomAD), indicating this variant is rare. This variant is interpreted as likely pathogenic.

Ambry Genetics
Classification: Pathogenic for Nephrolithiasis/nephrocalcinosis. Last evaluated: 2026-01-20. Review status: criteria provided, single submitter. Criteria: Ambry Variant Classification Scheme 2023. Collection method: clinical testing. Allele origin: germline.
Comment: The c.2486A>G (p.Y829C) alteration is located in exon 7 (coding exon 6) of the CASR gene. This alteration results from a A to G substitution at nucleotide position 2486, causing the tyrosine (Y) at amino acid position 829 to be replaced by a cysteine (C). for autosomal dominant CASR-related hypocalcemia (ADH1); however, it is unlikely to be causative of autosomal recessive neonatal hyperparathyroidism (NHPT) or autosomal dominant CASR-related hypocalciuric hypercalcemia (FHH1). This variant was not reported in population-based cohorts in the Genome Aggregation Database (gnomAD). This variant was reported in individual(s) with features consistent with autosomal dominant CASR-related hypocalcemia (ADH1)(Choi, 2015; Wang, 2019). This amino acid position is highly conserved in available vertebrate species. This missense alteration is located in a region that has a low rate of benign missense variation (Lek, 2016; Firth, 2009). This alteration is predicted to be deleterious by in silico analysis. Based on the available evidence, this alteration is classified as pathogenic.

Literature cited by the submitters: PubMed 25932037 (cited by Ambry Genetics); PubMed 31433868 (cited by Ambry Genetics).

NM_000388.4(CASR):c.2486A>G (p.Tyr829Cys)

Gene: CASR (calcium sensing receptor; plus strand). Cytogenetic location: 3q21.1.
Variant type: single nucleotide variant.
Coding change: c.2486A>G on transcript NM_000388.4 (MANE Select); coding-DNA position 2486, A replaced by G.
Protein change: p.Tyr829Cys; replaces tyrosine 829 with cysteine.
Molecular consequence: missense variant.
Genome position (GRCh38, 1-based): chr3:122,284,440, A>G. VCF-style: chr3-122284440-A-G. GRCh37 (hg19) VCF-style: chr3-122003287-A-G.
Other names: c.2516A>G, p.Tyr839Cys (NM_001178065.2); c.2516A>G (NM_001178065.1); short protein forms Y829C, Y839C.
Identifiers: ClinVar variation 4838895 (VCV004838895.2).
Genomic context (GRCh38, chr3:122,284,440, plus strand): 5'-TCAGCATGCTCATCTTCTTCATCGTCTGGATCTCCTTCATTCCAGCCTATGCCAGCACCT[A>G]TGGCAAGTTTGTCTCTGCCGTAGAGGTGATTGCCATCCTGGCAGCCAGCTTTGGCTTGCT-3'
Protein context (NP_000379.3, residues 819-839): ISFIPAYAST[Tyr829Cys]GKFVSAVEVI